The following is an entry in ClinVar:

NM_001378454.1(ALMS1):c.45_46insTAG (p.Glu16Ter)

Gene: ALMS1 (ALMS1 centrosome and basal body associated protein; plus strand). Cytogenetic location: 2p13.1.
Variant type: Insertion.
Coding change: c.45_46insTAG on transcript NM_001378454.1 (MANE Select); coding-DNA positions 45 to 46, TAG inserted.
Protein change: p.Glu16Ter; replaces glutamic acid 16 with a stop codon.
Molecular consequence: nonsense.
Genome position: GRCh38 VCF-style: chr2-73385911-G-GAGT. GRCh37 (hg19) VCF-style: chr2-73613039-G-GAGT.
Other names: c.48_49insTAG, p.Glu17Ter (NM_015120.4); short protein forms E16*, E17*.
Identifiers: ClinVar variation 3649883 (VCV003649883.2).
Genomic context (GRCh38, chr2:73,385,911, plus strand): 5'-CCAGAGCGAGACACCAACATGGAGCCCGAGGATCTGCCATGGCCGGGCGAGCTGGAGGAG[G>GAGT]AGGAGGAGGAGGAGGAGGAGGAGGAGGAGGAAGAGGAGGAGGCTGCAGCGGCGGCGGCGG-3'

ClinVar aggregate classification (germline): Pathogenic (1 of 4 stars; one submission).

Conditions:
Alstrom syndrome (ALMS). Identifiers: Orphanet 64, MedGen C0268425, MONDO:0008763, OMIM 203800.

Submission:

Labcorp Genetics (formerly Invitae), Labcorp
Classification: Pathogenic for Alstrom syndrome. Last evaluated: 2025-06-09. Review status: criteria provided, single submitter. Criteria: Invitae Variant Classification Sherloc (09022015). Collection method: clinical testing. Allele origin: germline.
Comment: This sequence change creates a premature translational stop signal (p.Glu17*) in the ALMS1 gene. It is expected to result in an absent or disrupted protein product. Loss-of-function variants in ALMS1 are known to be pathogenic (PMID: 17594715). This variant is not present in population databases (gnomAD no frequency). This variant has not been reported in the literature in individuals affected with ALMS1-related conditions. ClinVar contains an entry for this variant (Variation ID: 3649883). For these reasons, this variant has been classified as Pathogenic.

Literature cited by the submitters: PubMed 17594715.